The following is an entry in ClinVar:

NM_000553.6(WRN):c.2000T>C (p.Val667Ala)

Gene: WRN (WRN RecQ like helicase; plus strand). Cytogenetic location: 8p12.
Variant type: single nucleotide variant.
Coding change: c.2000T>C on transcript NM_000553.6 (MANE Select); coding-DNA position 2000, T replaced by C.
Protein change: p.Val667Ala; replaces valine 667 with alanine.
Molecular consequence: missense variant.
Genome position (GRCh38, 1-based): chr8:31,100,867, T>C. VCF-style: chr8-31100867-T-C. GRCh37 (hg19) VCF-style: chr8-30958383-T-C.
Other names: short protein forms V667A.
Identifiers: ClinVar variation 1717578 (VCV001717578.5), dbSNP rs1585455505, ClinGen allele CA370908271.

ClinVar aggregate classification (germline): Uncertain significance (1 of 4 stars; one submission).

Conditions:
Werner syndrome (WRN). Identifiers: Orphanet 902, MedGen C0043119, MONDO:0010196, OMIM 277700.

Submission:

Labcorp Genetics (formerly Invitae), Labcorp
Classification: Uncertain significance for Werner syndrome. Last evaluated: 2022-08-22. Review status: criteria provided, single submitter. Criteria: Invitae Variant Classification Sherloc (09022015). Collection method: clinical testing. Allele origin: germline.
Comment: This variant is not present in population databases (gnomAD no frequency). This sequence change replaces valine, which is neutral and non-polar, with alanine, which is neutral and non-polar, at codon 667 of the WRN protein (p.Val667Ala). This variant has not been reported in the literature in individuals affected with WRN-related conditions. Algorithms developed to predict the effect of missense changes on protein structure and function are either unavailable or do not agree on the potential impact of this missense change (SIFT: "Not Available"; PolyPhen-2: "Probably Damaging"; Align-GVGD: "Not Available"). In summary, the available evidence is currently insufficient to determine the role of this variant in disease. Therefore, it has been classified as a Variant of Uncertain Significance.